The following is an entry in ClinVar:

NM_001127671.2(LIFR):c.1983G>A (p.Trp661Ter)

Gene: LIFR (LIF receptor subunit alpha; minus strand). Cytogenetic location: 5p13.1.
Variant type: single nucleotide variant.
Coding change: c.1983G>A on transcript NM_001127671.2 (MANE Select); coding-DNA position 1983, G replaced by A.
Protein change: p.Trp661Ter; replaces tryptophan 661 with a stop codon.
Molecular consequence: nonsense.
Genome position (GRCh38, 1-based): chr5:38,493,688, C>T on the plus strand (G>A on the coding strand, the complement: LIFR is on the minus strand). VCF-style: chr5-38493688-C-T. GRCh37 (hg19) VCF-style: chr5-38493790-C-T.
Other names: c.1983G>A, p.Trp661Ter (NM_001364297.2, NM_001364298.2, NM_002310.6); short protein forms W661*.
Identifiers: ClinVar variation 1455438 (VCV001455438.3), dbSNP rs943532734, ClinGen allele CA117148706.

ClinVar aggregate classification (germline): Pathogenic (1 of 4 stars; one submission).

Allele frequency attached by ClinVar (database versions not stated): gnomAD exomes below 0.00001.
gnomAD v4.1: 2 of 1,614,188 alleles (0.00012%); highest among the groups gnomAD compares: Non-Finnish European, 0.00017%; no homozygotes.

Submission:

Labcorp Genetics (formerly Invitae), Labcorp
Classification: Pathogenic. Last evaluated: 2021-08-18. Review status: criteria provided, single submitter. Criteria: Invitae Variant Classification Sherloc (09022015). Collection method: clinical testing. Allele origin: germline.
Comment: This sequence change creates a premature translational stop signal (p.Trp661*) in the LIFR gene. It is expected to result in an absent or disrupted protein product. Loss-of-function variants in LIFR are known to be pathogenic (PMID: 14740318). This variant is not present in population databases (ExAC no frequency). This variant has not been reported in the literature in individuals affected with LIFR-related conditions. For these reasons, this variant has been classified as Pathogenic.

Literature cited by the submitters: PubMed 14740318.